The following is an entry in ClinVar:

NM_001394998.1(TANC2):c.3418C>T (p.Arg1140Ter)

Genes: TANC2 (tetratricopeptide repeat, ankyrin repeat and coiled-coil containing 2; plus strand), LOC105371856 (uncharacterized LOC105371856; minus strand). Cytogenetic location: 17q23.3.
Variant type: single nucleotide variant.
Coding change: c.3418C>T on transcript NM_001394998.1 (MANE Select); coding-DNA position 3418, C replaced by T.
Protein change: p.Arg1140Ter; replaces arginine 1140 with a stop codon.
Molecular consequence: nonsense.
Genome position (GRCh38, 1-based): chr17:63,405,208, C>T. VCF-style: chr17-63405208-C-T. GRCh37 (hg19) VCF-style: chr17-61482569-C-T.
Other names: c.3196C>T, p.Arg1066Ter (NM_025185.4); short protein forms R1066*, R1140*.
Identifiers: ClinVar variation 922130 (VCV000922130.7), dbSNP rs2048464266, ClinGen allele CA400535725.

ClinVar aggregate classification (germline): Pathogenic. Review status: criteria provided, single submitter (1 of 4 stars). 3 submissions from 3 submitters: Pathogenic (1). 2 of the submissions do not count toward it. Last evaluated 2025-11-13.

Conditions:
Autism spectrum disorder. Also called: Autism spectrum disorders. Identifiers: MedGen C1510586, MeSH D000067877, MONDO:0005258.
INTELLECTUAL DEVELOPMENTAL DISORDER WITH AUTISTIC FEATURES AND LANGUAGE DELAY WITHOUT SEIZURES.
Intellectual developmental disorder with autistic features and language delay, with or without seizures. Identifiers: MedGen C5394447, MONDO:0030051, OMIM 618906.

Submissions (3):

Institute of Human Genetics, University of Leipzig Medical Center
Classification: Pathogenic for Intellectual developmental disorder with autistic features and language delay, with or without seizures. Last evaluated: 2025-11-13. Review status: criteria provided, single submitter. Criteria: ACMG Guidelines, 2015. Collection method: clinical testing. Allele origin: unknown. Inheritance: Autosomal dominant inheritance. Affected: yes.
Comment: Criteria applied: PVS1,PS2,PS4_MOD,PM2

OMIM
Classification: Pathogenic for INTELLECTUAL DEVELOPMENTAL DISORDER WITH AUTISTIC FEATURES AND LANGUAGE DELAY WITHOUT SEIZURES. Last evaluated: 2020-08-06. Review status: no assertion criteria provided. Collection method: literature only. Allele origin: germline. Not counted in ClinVar's aggregate classification.

University of Washington Center for Mendelian Genomics, University of Washington
Classification: Likely pathogenic for Autism spectrum disorder. Review status: no assertion criteria provided. Collection method: research. Allele origin: de novo. Affected: yes. Not counted in ClinVar's aggregate classification.

Literature cited by the submitters: PubMed 31616000 (cited by OMIM and University of Washington Center for Mendelian Genomics, University of Washington); PubMed 30021165 (cited by OMIM).